The following is an entry in ClinVar:

ClinVar aggregate classification (germline): Conflicting classifications of pathogenicity. Review status: criteria provided, conflicting classifications (1 of 4 stars). 3 submissions from 3 submitters: Pathogenic (1); Uncertain significance (2). Last evaluated 2024-06-16.

Conditions:
Inborn genetic diseases. Identifiers: MedGen C0950123, MeSH D030342.
Fanconi anemia (FA). Also called: Fanconi's anemia. Identifiers: Orphanet 84, MedGen C0015625, MeSH D005199, MONDO:0019391.
Familial cancer of breast. Also called: BREAST CANCER, FAMILIAL; Hereditary breast cancer; hereditary breast carcinoma. Identifiers: Orphanet 227535, MedGen C0346153, MONDO:0016419, OMIM 114480. Disease mechanism: loss of function.

Allele frequency attached by ClinVar (database versions not stated): gnomAD 0.00005.
gnomAD v4.1: 28 of 1,613,874 alleles (0.0017%); highest among the groups gnomAD compares: Admixed American, 0.0033%; no homozygotes.

Submissions (3):

Ambry Genetics
Classification: Uncertain significance for Inborn genetic diseases. Last evaluated: 2024-06-16. Review status: criteria provided, single submitter. Criteria: Ambry Variant Classification Scheme 2023. Collection method: clinical testing. Allele origin: germline.

Department of Genetics and Molecular Biology, Isfahan University of Medical Sciences
Classification: Pathogenic for Familial cancer of breast. Last evaluated: 2024-05-10. Review status: criteria provided, single submitter. Criteria: ACMG Guidelines, 2015. Collection method: clinical testing. Allele origin: germline. Inheritance: Autosomal dominant inheritance. Affected: yes. Observed: 1 heterozygote.
Comment: This variant is located within the N-terminal F1 domain (amino acids 1–588), a region known to mediate DNA binding and to contain a nuclear localization signal (NLS) essential for nuclear import. This domain plays a critical role in recruiting the FANCD2–FANCI (ID2) complex to chromatin at sites of interstrand crosslinks (ICLs) and initiating monoubiquitination at Lys561—a prerequisite for downstream engagement of BRCA2 and RAD51 in homologous recombination repair. The pathogenecity of this variant was evaluate according to ACMG guideline (PS1, PM2, PM5, PP1, PP3 and PP4).

Labcorp Genetics (formerly Invitae), Labcorp
Classification: Uncertain significance for Fanconi anemia. Last evaluated: 2022-09-24. Review status: criteria provided, single submitter. Criteria: Invitae Variant Classification Sherloc (09022015). Collection method: clinical testing. Allele origin: germline.
Comment: This sequence change replaces proline, which is neutral and non-polar, with leucine, which is neutral and non-polar, at codon 279 of the FANCD2 protein (p.Pro279Leu). This variant is present in population databases (no rsID available, gnomAD 0.008%). This variant has not been reported in the literature in individuals affected with FANCD2-related conditions. ClinVar contains an entry for this variant (Variation ID: 1057753). Advanced modeling of protein sequence and biophysical properties (such as structural, functional, and spatial information, amino acid conservation, physicochemical variation, residue mobility, and thermodynamic stability) performed at Invitae indicates that this missense variant is expected to disrupt FANCD2 protein function. In summary, the available evidence is currently insufficient to determine the role of this variant in disease. Therefore, it has been classified as a Variant of Uncertain Significance.

Literature cited by the submitters: DOI 10.1016/j.ajhg.2016.02.024 (cited by Department of Genetics and Molecular Biology, Isfahan University of Medical Sciences); DOI 10.1371/journal.pone.0125571 (cited by Department of Genetics and Molecular Biology, Isfahan University of Medical Sciences).

NM_001018115.3(FANCD2):c.836C>T (p.Pro279Leu)

Genes: FANCD2 (FA complementation group D2; plus strand), LOC107303338 (3p25 FANCD2 Alu-mediated recombination region; plus strand). Cytogenetic location: 3p25.3.
Variant type: single nucleotide variant.
Coding change: c.836C>T on transcript NM_001018115.3 (MANE Select); coding-DNA position 836, C replaced by T.
Protein change: p.Pro279Leu; replaces proline 279 with leucine.
Molecular consequence: missense variant.
Genome position (GRCh38, 1-based): chr3:10,042,611, C>T. VCF-style: chr3-10042611-C-T. GRCh37 (hg19) VCF-style: chr3-10084295-C-T.
Other names: c.836C>T (NM_033084.3); c.836C>T, p.Pro279Leu (NM_001319984.2, NM_001374253.1, NM_001374254.1 and 1 more transcripts); short protein forms P279L.
Identifiers: ClinVar variation 1057753 (VCV001057753.8), dbSNP rs752880854, ClinGen allele CA70026691.